The following is an entry in ClinVar:

NM_153717.3(EVC):c.162C>T (p.Arg54=)

Gene: EVC (EvC ciliary complex subunit 1; plus strand). Cytogenetic location: 4p16.2.
Variant type: single nucleotide variant.
Coding change: c.162C>T on transcript NM_153717.3 (MANE Select); coding-DNA position 162, C replaced by T.
Protein change: p.Arg54=; no amino-acid change (arginine 54 retained).
Molecular consequence: synonymous variant.
Genome position (GRCh38, 1-based): chr4:5,711,542, C>T. VCF-style: chr4-5711542-C-T. GRCh37 (hg19) VCF-style: chr4-5713269-C-T.
Other names: c.162C>T, p.Arg54= (NM_001306090.2, NM_001306092.2).
Identifiers: ClinVar variation 766819 (VCV000766819.19), dbSNP rs1305323625, ClinGen allele CA438206643.

ClinVar aggregate classification (germline): Benign/Likely benign. Review status: criteria provided, multiple submitters, no conflicts (2 of 4 stars). 6 submissions from 6 submitters: Benign (1); Likely benign (3). 2 of the submissions do not count toward it. Last evaluated 2026-05-01.

Conditions:
Ellis-van Creveld syndrome (EVC). Also called: Chondroectodermal dysplasia; MESOECTODERMAL DYSPLASIA. Identifiers: Orphanet 289, MedGen C0013903, MONDO:0009162, OMIM 225500.
EVC-related disorder. Also called: EVC-related disorders; EVC-related condition.
Curry-Hall syndrome (WAD). Also called: WEYERS ACRODENTAL DYSOSTOSIS. Identifiers: Orphanet 952, MedGen C0457013, MONDO:0008673, OMIM 193530.

Allele frequency attached by ClinVar (database versions not stated): gnomAD exomes 0.00001; TOPMed 0.00039.
gnomAD v4.1: 28 of 1,171,110 alleles (0.0024%); highest among the groups gnomAD compares: Admixed American, 0.12%; no homozygotes.

Submissions (6):

CeGaT Center for Human Genetics Tuebingen
Classification: Likely benign. Last evaluated: 2026-05-01. Review status: criteria provided, single submitter. Criteria: CeGaT Center For Human Genetics Tuebingen Variant Classification Criteria Version 2. Collection method: clinical testing. Allele origin: germline. Affected: yes. Observed: 1 variant allele.
Comment: EVC: BP4, BP7

Labcorp Genetics (formerly Invitae), Labcorp
Classification: Benign for Curry-Hall syndrome; Ellis-van Creveld syndrome. Last evaluated: 2026-01-26. Review status: criteria provided, single submitter. Criteria: Invitae Variant Classification Sherloc (09022015). Collection method: clinical testing. Allele origin: germline.

Women's Health and Genetics/Laboratory Corporation of America, LabCorp
Classification: Likely benign. Last evaluated: 2025-01-13. Review status: criteria provided, single submitter. Criteria: LabCorp Variant Classification Summary - May 2015. Collection method: clinical testing. Allele origin: germline.

Blueprint Genetics
Classification: Likely benign. Last evaluated: 2021-06-29. Review status: criteria provided, single submitter. Criteria: ACMG Guidelines, 2015. Collection method: clinical testing. Allele origin: germline.

Natera, Inc.
Classification: Likely benign for Ellis-van Creveld syndrome. Last evaluated: 2019-10-24. Review status: no assertion criteria provided. Collection method: clinical testing. Allele origin: germline. Not counted in ClinVar's aggregate classification.

PreventionGenetics, part of Exact Sciences
Classification: Benign for EVC-related condition. Last evaluated: 2019-09-05. Review status: no assertion criteria provided. Collection method: clinical testing. Allele origin: germline. Not counted in ClinVar's aggregate classification.
Comment: This variant is classified as benign based on ACMG/AMP sequence variant interpretation guidelines (Richards et al. 2015 PMID: 25741868, with internal and published modifications).